The following is an entry in ClinVar:

ClinVar aggregate classification (germline): Uncertain significance (1 of 4 stars; one submission).

gnomAD v4.1: 1 of 1,614,140 alleles (0.000062%); highest among the groups gnomAD compares: Non-Finnish European, 0.000085%; no homozygotes.

Submission:

Labcorp Genetics (formerly Invitae), Labcorp
Classification: Uncertain significance. Last evaluated: 2019-02-25. Review status: criteria provided, single submitter. Criteria: Invitae Variant Classification Sherloc (09022015). Collection method: clinical testing. Allele origin: germline.
Comment: Algorithms developed to predict the effect of missense changes on protein structure and function (SIFT, PolyPhen-2, Align-GVGD) all suggest that this variant is likely to be disruptive, but these predictions have not been confirmed by published functional studies and their clinical significance is uncertain. Algorithms developed to predict the effect of sequence changes on RNA splicing suggest that this variant may create or strengthen a splice site, but this prediction has not been confirmed by published transcriptional studies. In summary, the available evidence is currently insufficient to determine the role of this variant in disease. Therefore, it has been classified as a Variant of Uncertain Significance. This sequence change replaces arginine with serine at codon 639 of the POLE protein (p.Arg639Ser). The arginine residue is highly conserved and there is a moderate physicochemical difference between arginine and serine. This variant is not present in population databases (ExAC no frequency). This variant has not been reported in the literature in individuals with POLE-related conditions.

NM_006231.4(POLE):c.1915C>A (p.Arg639Ser)

Gene: POLE (DNA polymerase epsilon, catalytic subunit; minus strand). Cytogenetic location: 12q24.33.
Variant type: single nucleotide variant.
Coding change: c.1915C>A on transcript NM_006231.4 (MANE Select); coding-DNA position 1915, C replaced by A.
Protein change: p.Arg639Ser; replaces arginine 639 with serine.
Molecular consequence: missense variant.
Genome position (GRCh38, 1-based): chr12:132,668,819, G>T on the plus strand (C>A on the coding strand, the complement: POLE is on the minus strand). VCF-style: chr12-132668819-G-T. GRCh37 (hg19) VCF-style: chr12-133245405-G-T.
Other names: short protein forms R639S.
Identifiers: ClinVar variation 858548 (VCV000858548.9), dbSNP rs1565966539, ClinGen allele CA387355280.